The following is an entry in ClinVar:

ClinVar aggregate classification (germline): Uncertain significance. Review status: criteria provided, multiple submitters, no conflicts (2 of 4 stars). 2 submissions from 2 submitters: Uncertain significance (2). Last evaluated 2025-04-17.

Conditions:
Hereditary cancer-predisposing syndrome. Also called: Neoplastic Syndromes, Hereditary; Tumor predisposition; Hereditary Cancer Syndrome; Hereditary neoplastic syndrome. Identifiers: Orphanet 140162, MedGen C0027672, MeSH D009386, MONDO:0015356.
Neuroblastoma, susceptibility to, 3. Also called: ALK-Related Neuroblastic Tumor Susceptibility. Identifiers: Orphanet 635, MedGen C2751681, MONDO:0013083, OMIM 613014.

Submissions (2):

Ambry Genetics
Classification: Uncertain significance for Hereditary cancer-predisposing syndrome. Last evaluated: 2025-04-17. Review status: criteria provided, single submitter. Criteria: Ambry Variant Classification Scheme 2023. Collection method: clinical testing. Allele origin: germline.
Comment: The p.P696S variant (also known as c.2086C>T), located in coding exon 12 of the ALK gene, results from a C to T substitution at nucleotide position 2086. The proline at codon 696 is replaced by serine, an amino acid with similar properties. This amino acid position is conserved. In addition, this alteration is predicted to be deleterious by in silico analysis. Based on the available evidence, the clinical significance of this variant remains unclear.

Labcorp Genetics (formerly Invitae), Labcorp
Classification: Uncertain significance for Neuroblastoma, susceptibility to, 3. Last evaluated: 2025-04-17. Review status: criteria provided, single submitter. Criteria: Invitae Variant Classification Sherloc (09022015). Collection method: clinical testing. Allele origin: germline.
Comment: This sequence change replaces proline, which is neutral and non-polar, with serine, which is neutral and polar, at codon 696 of the ALK protein (p.Pro696Ser). This variant is not present in population databases (gnomAD no frequency). This variant has not been reported in the literature in individuals affected with ALK-related conditions. An algorithm developed to predict the effect of missense changes on protein structure and function (PolyPhen-2) suggests that this variant is likely to be disruptive. In summary, the available evidence is currently insufficient to determine the role of this variant in disease. Therefore, it has been classified as a Variant of Uncertain Significance.

NM_004304.5(ALK):c.2086C>T (p.Pro696Ser)

Gene: ALK (ALK receptor tyrosine kinase; minus strand). Cytogenetic location: 2p23.2.
Variant type: single nucleotide variant.
Coding change: c.2086C>T on transcript NM_004304.5 (MANE Select); coding-DNA position 2086, C replaced by T.
Protein change: p.Pro696Ser; replaces proline 696 with serine.
Molecular consequence: missense variant.
Genome position (GRCh38, 1-based): chr2:29,251,223, G>A on the plus strand (C>T on the coding strand, the complement: ALK is on the minus strand). VCF-style: chr2-29251223-G-A. GRCh37 (hg19) VCF-style: chr2-29474089-G-A.
Other names: short protein forms P696S.
Identifiers: ClinVar variation 4040664 (VCV004040664.2).
Genomic context (GRCh38, chr2:29,251,223, plus strand): 5'-TCCCCACCTCCACGCTCAGGTTGGAGTTCTGGTAGGCGTTGTTGCACTGTGCCTGGGTGG[G>A]GCCATGGGGCCCGCTGGCCCCACATGTGGTGAACAGCCAATGAACTGTGGCACAAGAGGA-3'
Protein context (NP_004295.2, residues 686-706): TTCGASGPHG[Pro696Ser]TQAQCNNAYQ